The following is an entry in ClinVar:

ClinVar aggregate classification (germline): Uncertain significance (1 of 4 stars; one submission).

Conditions:
Cone-rod dystrophy 6 (CORD6). Also called: RETINAL CONE DYSTROPHY 2; Cone dystrophy progressive. Identifiers: Orphanet 1872, MedGen C1866293, MONDO:0011143, OMIM 601777.
Leber congenital amaurosis 1 (LCA1). Also called: RETINAL BLINDNESS, CONGENITAL; AMAUROSIS CONGENITA OF LEBER I; Congenital absence of the rods and cones; Leber's congenital tapetoretinal degeneration; Leber's congenital tapetoretinal dysplasia. Identifiers: Orphanet 65, MedGen C2931258, MONDO:0008764, OMIM 204000.

Submission:

Labcorp Genetics (formerly Invitae), Labcorp
Classification: Uncertain significance for Leber congenital amaurosis 1; Cone-rod dystrophy 6. Last evaluated: 2021-09-17. Review status: criteria provided, single submitter. Criteria: Invitae Variant Classification Sherloc (09022015). Collection method: clinical testing. Allele origin: germline.
Comment: In summary, the available evidence is currently insufficient to determine the role of this variant in disease. Therefore, it has been classified as a Variant of Uncertain Significance. Algorithms developed to predict the effect of missense changes on protein structure and function (SIFT, PolyPhen-2, Align-GVGD) all suggest that this variant is likely to be disruptive. This missense change has been observed in individual(s) with Leber congenital amaurosis (Invitae). In at least one individual the data is consistent with the variant being in trans (on the opposite chromosome) from a pathogenic variant. This variant is not present in population databases (ExAC no frequency). This sequence change replaces glutamic acid with lysine at codon 948 of the GUCY2D protein (p.Glu948Lys). The glutamic acid residue is highly conserved and there is a small physicochemical difference between glutamic acid and lysine.

NM_000180.4(GUCY2D):c.2842G>A (p.Glu948Lys)

Gene: GUCY2D (guanylate cyclase 2D, retinal; plus strand). Cytogenetic location: 17p13.1.
Variant type: single nucleotide variant.
Coding change: c.2842G>A on transcript NM_000180.4 (MANE Select); coding-DNA position 2842, G replaced by A.
Protein change: p.Glu948Lys; replaces glutamic acid 948 with lysine.
Molecular consequence: missense variant.
Genome position (GRCh38, 1-based): chr17:8,015,400, G>A. VCF-style: chr17-8015400-G-A. GRCh37 (hg19) VCF-style: chr17-7918718-G-A.
Other names: short protein forms E948K.
Identifiers: ClinVar variation 1376610 (VCV001376610.6), dbSNP rs2151803652, ClinGen allele CA397954561.
Genomic context (GRCh38, chr17:8,015,400, plus strand): 5'-GGGGACGCCTATATGGTGGCCTCGGGGCTGCCCCAGCGGAATGGGCAGCGACACGCGGCA[G>A]AGATCGCCAACATGTCACTGGACATCCTCAGTGCCGTGGGCACTTTCCGCATGCGCCATA-3'
Protein context (NP_000171.1, residues 938-958): PQRNGQRHAA[Glu948Lys]IANMSLDILS